The following is an entry in ClinVar:

NM_031263.4(HNRNPK):c.1240del (p.Arg414fs)

Gene: HNRNPK (heterogeneous nuclear ribonucleoprotein K; minus strand). Cytogenetic location: 9q21.32.
Variant type: Deletion.
Coding change: c.1240del on transcript NM_031263.4 (MANE Select); coding-DNA position 1240, one base deleted (C; older notation c.1240delC).
Protein change: p.Arg414fs; shifts the reading frame from arginine 414.
Molecular consequence: frameshift variant.
Genome position (GRCh38, 1-based): chr9:83,970,283, G deleted on the plus strand (C on the coding strand, the reverse complement: HNRNPK is on the minus strand); the first of 2 consecutive G bases (chr9:83,970,283-83,970,284); deleting either gives the same sequence. VCF-style (leftmost placement, unchanged base first): chr9-83970282-CG-C. GRCh37 (hg19) VCF-style: chr9-86585197-CG-C.
Other names: c.1240del, p.Arg414fs (NM_002140.5, NM_031262.4, NM_001318188.2); c.1168del, p.Arg390fs (NM_001318186.2, NM_001318187.2); short protein forms R390fs, R414fs.
Identifiers: ClinVar variation 2852514 (VCV002852514.3), dbSNP rs2491952203, ClinGen allele CA2739269325.

ClinVar aggregate classification (germline): Pathogenic (1 of 4 stars; one submission).

Submission:

Labcorp Genetics (formerly Invitae), Labcorp
Classification: Pathogenic. Last evaluated: 2023-04-17. Review status: criteria provided, single submitter. Criteria: Invitae Variant Classification Sherloc (09022015). Collection method: clinical testing. Allele origin: germline.
Comment: This sequence change creates a premature translational stop signal (p.Arg414Valfs*14) in the HNRNPK gene. It is expected to result in an absent or disrupted protein product. Loss-of-function variants in HNRNPK are known to be pathogenic (PMID: 26173930, 26954065). This variant is not present in population databases (gnomAD no frequency). This variant has not been reported in the literature in individuals affected with HNRNPK-related conditions. For these reasons, this variant has been classified as Pathogenic.

Literature cited by the submitters: PubMed 26173930; PubMed 26954065.